The following is an entry in ClinVar:

NC_000006.11:g.(?_80196711)_(80203477_?)del

Gene: LCA5 (lebercilin LCA5; minus strand). Cytogenetic location: 6q14.1.
Variant type: Deletion.
Identifiers: ClinVar variation 2427577 (VCV002427577.3).

ClinVar aggregate classification (germline): Pathogenic (1 of 4 stars; one submission).

Submission:

Labcorp Genetics (formerly Invitae), Labcorp
Classification: Pathogenic. Last evaluated: 2022-03-05. Review status: criteria provided, single submitter. Criteria: Invitae Variant Classification Sherloc (09022015). Collection method: clinical testing. Allele origin: germline.
Comment: This variant is a gross deletion of the genomic region encompassing exon(s) 5-9 of the LCA5 gene, which includes the termination codon. This deletion extends beyond the assayed region for this gene and therefore may encompass additional genes. While this deletion is not anticipated to lead to nonsense mediated decay, it is expected to alter mRNA translation or result in a truncated protein product. This variant has not been reported in the literature in individuals affected with LCA5-related conditions. This variant disrupts a region of the LCA5 protein in which other variant(s) (p.Lys586*) have been determined to be pathogenic (PMID: 23946133, 27624628). This suggests that this is a clinically significant region of the protein, and that variants that disrupt it are likely to be disease-causing. For these reasons, this variant has been classified as Pathogenic.

Literature cited by the submitters: PubMed 23946133; PubMed 27624628.